The following is an entry in ClinVar:

NM_201548.5(CERKL):c.896-2A>T

Gene: CERKL (CERK like autophagy regulator; minus strand). Cytogenetic location: 2q31.3.
Variant type: single nucleotide variant.
Coding change: c.896-2A>T on transcript NM_201548.5 (MANE Select); the canonical splice acceptor site of the intron before coding-DNA position 896, A replaced by T.
Molecular consequence: splice acceptor variant.
Genome position (GRCh38, 1-based): chr2:181,548,859, T>A on the plus strand (A>T on the coding strand, the complement: CERKL is on the minus strand). VCF-style: chr2-181548859-T-A. GRCh37 (hg19) VCF-style: chr2-182413586-T-A.
Other names: c.974-2A>T (NM_001030311.2, NM_001030311.3); c.557-2A>T (NM_001030312.3); c.842-2A>T (NM_001160277.2); c.689-2A>T (NM_001030313.3).
Identifiers: ClinVar variation 1501648 (VCV001501648.7), dbSNP rs2105804184, ClinGen allele CA349737550.
Genomic context (GRCh38, chr2:181,548,859, plus strand): 5'-AAAGCGAAGAAGCTTGCCAGCGGTGCTGAAGGTGCAGACGTCGACCAGCTGTACATGCCC[T>A]TGAATATTACATTAAATATTAATCAGTGAGTACAGTAGGACTTGTATCAAAACAGCAAAC-3'

ClinVar aggregate classification (germline): Likely pathogenic. Review status: criteria provided, multiple submitters, no conflicts (2 of 4 stars). 2 submissions from 2 submitters: Likely pathogenic (2). Last evaluated 2024-03-25.

Conditions:
Retinitis pigmentosa 26 (RP26). Identifiers: Orphanet 791, MedGen C1842127, MONDO:0012024, OMIM 608380.

Allele frequency attached by ClinVar (database versions not stated): gnomAD exomes below 0.00001.
gnomAD v4.1: 3 of 1,612,976 alleles (0.00019%); highest among the groups gnomAD compares: Non-Finnish European, 0.00025%; no homozygotes.

Submissions (2):

Fulgent Genetics
Classification: Likely pathogenic for Retinitis pigmentosa 26. Last evaluated: 2024-03-25. Review status: criteria provided, single submitter. Criteria: ACMG Guidelines, 2015. Collection method: clinical testing. Allele origin: germline.

Labcorp Genetics (formerly Invitae), Labcorp
Classification: Likely pathogenic. Last evaluated: 2022-08-12. Review status: criteria provided, single submitter. Criteria: Invitae Variant Classification Sherloc (09022015). Collection method: clinical testing. Allele origin: germline.
Comment: This sequence change affects an acceptor splice site in intron 7 of the CERKL gene. It is expected to disrupt RNA splicing. Variants that disrupt the donor or acceptor splice site typically lead to a loss of protein function (PMID: 16199547), and loss-of-function variants in CERKL are known to be pathogenic (PMID: 14681825, 23591405, 24043777). This variant is not present in population databases (gnomAD no frequency). This variant has not been reported in the literature in individuals affected with CERKL-related conditions. ClinVar contains an entry for this variant (Variation ID: 1501648). Algorithms developed to predict the effect of sequence changes on RNA splicing suggest that this variant may disrupt the consensus splice site. In summary, the currently available evidence indicates that the variant is pathogenic, but additional data are needed to prove that conclusively. Therefore, this variant has been classified as Likely Pathogenic.

Literature cited by the submitters: PubMed 16199547 (cited by Labcorp Genetics (formerly Invitae), Labcorp); PubMed 14681825 (cited by Labcorp Genetics (formerly Invitae), Labcorp); PubMed 23591405 (cited by Labcorp Genetics (formerly Invitae), Labcorp); PubMed 24043777 (cited by Labcorp Genetics (formerly Invitae), Labcorp).